The following is an entry in ClinVar:

ClinVar aggregate classification (germline): Likely benign. Review status: criteria provided, multiple submitters, no conflicts (2 of 4 stars). 2 submissions from 2 submitters: Likely benign (2). Last evaluated 2025-03-16.

Conditions:
BAP1-related tumor predisposition syndrome (TPDS1). Also called: Tumor susceptibility linked to germline BAP1 mutations; COMMON Syndrome; TUMOR PREDISPOSITION SYNDROME 1; BAP1 tumor predisposition syndrome. Identifiers: Orphanet 289539, MedGen C3280492, MONDO:0013692, OMIM 614327.

Submissions (2):

Labcorp Genetics (formerly Invitae), Labcorp
Classification: Likely benign for BAP1-related tumor predisposition syndrome. Last evaluated: 2025-03-16. Review status: criteria provided, single submitter. Criteria: Invitae Variant Classification Sherloc (09022015). Collection method: clinical testing. Allele origin: germline.

Myriad Genetics, Inc.
Classification: Likely benign for BAP1-related tumor predisposition syndrome. Last evaluated: 2024-07-15. Review status: criteria provided, single submitter. Criteria: Myriad Autosomal Dominant, Autosomal Recessive and X-Linked Classification Criteria (2023). Collection method: clinical testing. Allele origin: unknown.
Comment: This variant is considered likely benign. This variant is intronic and is not expected to impact mRNA splicing.

NM_004656.4(BAP1):c.784-18C>T

Gene: BAP1 (BRCA1 associated deubiquitinase 1; minus strand). Cytogenetic location: 3p21.1.
Variant type: single nucleotide variant.
Coding change: c.784-18C>T on transcript NM_004656.4 (MANE Select); 18 bases into the intron before coding-DNA position 784, C replaced by T.
Molecular consequence: intron variant.
Genome position (GRCh38, 1-based): chr3:52,405,930, G>A on the plus strand (C>T on the coding strand, the complement: BAP1 is on the minus strand). VCF-style: chr3-52405930-G-A. GRCh37 (hg19) VCF-style: chr3-52439946-G-A.
Identifiers: ClinVar variation 2091705 (VCV002091705.5), dbSNP rs2153227302, ClinGen allele CA2580070299.